The following is an entry in ClinVar:

NM_023110.3(FGFR1):c.809G>C (p.Gly270Ala)

Gene: FGFR1 (fibroblast growth factor receptor 1; minus strand). Cytogenetic location: 8p11.23.
Variant type: single nucleotide variant.
Coding change: c.809G>C on transcript NM_023110.3 (MANE Select); coding-DNA position 809, G replaced by C.
Protein change: p.Gly270Ala; replaces glycine 270 with alanine.
Molecular consequence: missense variant.
Genome position (GRCh38, 1-based): chr8:38,424,636, C>G on the plus strand (G>C on the coding strand, the complement: FGFR1 is on the minus strand). VCF-style: chr8-38424636-C-G. GRCh37 (hg19) VCF-style: chr8-38282154-C-G.
Other names: c.809G>C, p.Gly270Ala (NM_001174063.2); c.785G>C, p.Gly262Ala (NM_001174064.2); c.803G>C, p.Gly268Ala (NM_001174065.2, NM_001354367.2, NM_001354369.2 and 2 more transcripts); c.542G>C, p.Gly181Ala (NM_001174066.2, NM_023105.3); c.902G>C, p.Gly301Ala (NM_001174067.2); c.536G>C, p.Gly179Ala (NM_001354368.2, NM_001354370.2, NM_023106.3); short protein forms G179A, G181A, G262A, G268A, G270A, G301A.
Identifiers: ClinVar variation 4887921 (VCV004887921.1).
Genomic context (GRCh38, chr8:38,424,636, plus strand): 5'-AGCCACTGGATGTGCGGCTGCGGGTCACTGTACACCTTACACATGAACTCCACGTTGCTA[C>G]CCAGGGCCACTGTTTTGTTGGCGGGCAACCCTGCTTGCAGGATGGGCCGGTGAGGGGACC-3'
Protein context (NP_075598.2, residues 260-280): GLPANKTVAL[Gly270Ala]SNVEFMCKVY

ClinVar aggregate classification (germline): Uncertain significance (1 of 4 stars; one submission).

Submission:

GeneDx
Classification: Uncertain significance. Last evaluated: 2026-02-06. Review status: criteria provided, single submitter. Criteria: GeneDx Variant Classification Process June 2021. Collection method: clinical testing. Allele origin: germline.
Comment: Identified in a patient with Kallmann syndrome and the father in published literature (PMID: 30477624); Not observed at significant frequency in large population cohorts (gnomAD); In silico analysis supports that this missense variant has a deleterious effect on protein structure/function; This variant is associated with the following publications: (PMID: 30477624)